The following is an entry in ClinVar:

NM_174916.3(UBR1):c.4895C>T (p.Ala1632Val)

Gene: UBR1 (ubiquitin protein ligase E3 component n-recognin 1; minus strand). Cytogenetic location: 15q15.2.
Variant type: single nucleotide variant.
Coding change: c.4895C>T on transcript NM_174916.3 (MANE Select); coding-DNA position 4895, C replaced by T.
Protein change: p.Ala1632Val; replaces alanine 1632 with valine.
Molecular consequence: missense variant.
Genome position (GRCh38, 1-based): chr15:42,952,389, G>A on the plus strand (C>T on the coding strand, the complement: UBR1 is on the minus strand). VCF-style: chr15-42952389-G-A. GRCh37 (hg19) VCF-style: chr15-43244587-G-A.
Other names: short protein forms A1632V.
Identifiers: ClinVar variation 1408468 (VCV001408468.18), dbSNP rs141227308, ClinGen allele CA7517733.

ClinVar aggregate classification (germline): Conflicting classifications of pathogenicity. Review status: criteria provided, conflicting classifications (1 of 4 stars). 5 submissions from 5 submitters: Uncertain significance (1); Benign (1); Likely benign (3). Last evaluated 2026-04-13.

Conditions:
Johanson-Blizzard syndrome (JBS). Also called: Nasal alar hypoplasia, hypothyroidism, pancreatic achylia and congenital deafness. Identifiers: Orphanet 2315, MedGen C0175692, MONDO:0009479, OMIM 243800.
UBR1-related disorder. Also called: UBR1-related condition.

Allele frequency attached by ClinVar (database versions not stated): 1000 Genomes Project 0.00040; 1000 Genomes Project 30x 0.00047; ExAC 0.00063; gnomAD exomes 0.00072 and 0.00146; ESP Exome Variant Server 0.00077; gnomAD 0.00084 and 0.00091; TOPMed 0.00107.
gnomAD v4.1: 2,302 of 1,614,176 alleles (0.14%); highest among the groups gnomAD compares: Non-Finnish European, 0.18%; no homozygotes.

Submissions (5):

PreventionGenetics, part of Exact Sciences
Classification: Likely benign for UBR1-related condition. Last evaluated: 2026-04-13. Review status: criteria provided, single submitter. Criteria: ACMG Guidelines, 2015. Collection method: clinical testing. Allele origin: germline.
Comment: This variant is classified as likely benign based on ACMG/AMP sequence variant interpretation guidelines (Richards et al. 2015 PMID: 25741868, with internal and published modifications).

Labcorp Genetics (formerly Invitae), Labcorp
Classification: Benign. Last evaluated: 2025-11-18. Review status: criteria provided, single submitter. Criteria: Invitae Variant Classification Sherloc (09022015). Collection method: clinical testing. Allele origin: germline.

CeGaT Center for Human Genetics Tuebingen
Classification: Likely benign. Last evaluated: 2025-09-01. Review status: criteria provided, single submitter. Criteria: CeGaT Center For Human Genetics Tuebingen Variant Classification Criteria Version 2. Collection method: clinical testing. Allele origin: germline. Affected: yes. Observed: 1 variant allele.
Comment: UBR1: BP4

GeneDx
Classification: Uncertain significance. Last evaluated: 2022-05-09. Review status: criteria provided, single submitter. Criteria: GeneDx Variant Classification Process June 2021. Collection method: clinical testing. Allele origin: germline. Affected: yes.
Comment: Has not been previously published as pathogenic or benign to our knowledge; In silico analysis supports that this missense variant does not alter protein structure/function

Department of Pathology and Laboratory Medicine, Sinai Health System
Classification: Likely benign for Johanson-Blizzard syndrome. Last evaluated: 2021-11-10. Review status: criteria provided, single submitter. Criteria: ACMG Guidelines, 2015. Collection method: research. Allele origin: germline.